The following is an entry in ClinVar:

NM_002047.4(GARS1):c.427+176C>G

Gene: GARS1 (glycyl-tRNA synthetase 1; plus strand). Cytogenetic location: 7p14.3.
Variant type: single nucleotide variant.
Coding change: c.427+176C>G on transcript NM_002047.4 (MANE Select); 176 bases into the intron after coding-DNA position 427, C replaced by G.
Molecular consequence: intron variant.
Genome position (GRCh38, 1-based): chr7:30,600,225, C>G. VCF-style: chr7-30600225-C-G. GRCh37 (hg19) VCF-style: chr7-30639841-C-G.
Other names: c.265+176C>G (NM_001316772.1).
Identifiers: ClinVar variation 681775 (VCV000681775.1), dbSNP rs2074779, ClinGen allele CA156099605.

ClinVar aggregate classification (germline): Benign (1 of 4 stars; one submission).

Allele frequency attached by ClinVar (database versions not stated): gnomAD 0.06711 and 0.07339; TOPMed 0.07271; 1000 Genomes Project 30x 0.11274; 1000 Genomes Project 0.11282.
gnomAD v4.1: 11,197 of 152,248 alleles (7.4%); highest among the groups gnomAD compares: South Asian, 19%; 537 homozygotes.

Submission:

GeneDx
Classification: Benign. Last evaluated: 2018-06-19. Review status: criteria provided, single submitter. Criteria: GeneDx Variant Classification (06012015). Collection method: clinical testing. Allele origin: germline. Affected: yes.
Comment: This variant is considered likely benign or benign based on one or more of the following criteria: it is a conservative change, it occurs at a poorly conserved position in the protein, it is predicted to be benign by multiple in silico algorithms, and/or has population frequency not consistent with disease.